The following is an entry in ClinVar:

NM_004655.4(AXIN2):c.484A>C (p.Lys162Gln)

Gene: AXIN2 (axin 2; minus strand). Cytogenetic location: 17q24.1.
Variant type: single nucleotide variant.
Coding change: c.484A>C on transcript NM_004655.4 (MANE Select); coding-DNA position 484, A replaced by C.
Protein change: p.Lys162Gln; replaces lysine 162 with glutamine.
Molecular consequence: missense variant.
Genome position (GRCh38, 1-based): chr17:65,558,137, T>G on the plus strand (A>C on the coding strand, the complement: AXIN2 is on the minus strand). VCF-style: chr17-65558137-T-G. GRCh37 (hg19) VCF-style: chr17-63554255-T-G.
Other names: c.484A>C, p.Lys162Gln (NM_001363813.1); short protein forms K162Q.
Identifiers: ClinVar variation 4867291 (VCV004867291.1).

ClinVar aggregate classification (germline): Uncertain significance (1 of 4 stars; one submission).

Conditions:
Hereditary cancer-predisposing syndrome. Also called: Neoplastic Syndromes, Hereditary; Tumor predisposition; Hereditary Cancer Syndrome; Hereditary neoplastic syndrome. Identifiers: Orphanet 140162, MedGen C0027672, MeSH D009386, MONDO:0015356.

Submission:

Ambry Genetics
Classification: Uncertain significance for Hereditary cancer-predisposing syndrome. Last evaluated: 2026-03-24. Review status: criteria provided, single submitter. Criteria: Ambry Variant Classification Scheme 2023. Collection method: clinical testing. Allele origin: germline.
Comment: The p.K162Q variant (also known as c.484A>C), located in coding exon 1 of the AXIN2 gene, results from an A to C substitution at nucleotide position 484. The lysine at codon 162 is replaced by glutamine, an amino acid with similar properties. This amino acid position is conserved. In addition, this alteration is predicted to be tolerated by in silico analysis. Based on the available evidence, the clinical significance of this variant remains unclear.